The following is an entry in ClinVar:

NM_006586.5(CNPY3):c.50TGC[6] (p.Leu23_Leu25del)

Genes: CNPY3 (canopy FGF signaling regulator 3; plus strand), CNPY3-GNMT (CNPY3-GNMT readthrough; plus strand). Cytogenetic location: 6p21.1.
Variant type: Microsatellite.
Coding change: c.50TGC[6] on transcript NM_006586.5 (MANE Select); six copies in a row of the 3-base unit TGC starting at c.50; the reference has nine copies in a row; three copies, 9 bases deleted.
Protein change: p.Leu23_Leu25del.
Molecular consequence: inframe deletion. On other transcripts: 5 prime UTR variant (2), non-coding transcript variant (9).
Genome position (GRCh38, 1-based): chr6:42,929,638-42,929,646, TGCTGCTGC deleted; deleting any 9 consecutive bases within chr6:42,929,620-42,929,646 gives the same sequence; the position shown is the placement nearest the transcript's 3' end. VCF-style (leftmost placement, unchanged base first): chr6-42929619-TTGCTGCTGC-T. GRCh37 (hg19) VCF-style: chr6-42897357-TTGCTGCTGC-T.
Other names: c.50TGC[6], p.Leu23_Leu25del (NM_001318842.1, NM_001318847.2, NM_001318848.2 and 2 more transcripts); c.-94TGC[6] (NM_001318845.1, NM_001318856.2).
Identifiers: ClinVar variation 4821138 (VCV004821138.4).

ClinVar aggregate classification (germline): Likely benign (1 of 4 stars; one submission).

Submission:

CeGaT Center for Human Genetics Tuebingen
Classification: Likely benign. Last evaluated: 2026-03-01. Review status: criteria provided, single submitter. Criteria: CeGaT Center For Human Genetics Tuebingen Variant Classification Criteria Version 2. Collection method: clinical testing. Allele origin: germline. Affected: yes. Observed: 1 variant allele.
Comment: CNPY3: BS1